The following is an entry in ClinVar:

ClinVar aggregate classification (germline): Uncertain significance. Review status: criteria provided, multiple submitters, no conflicts (2 of 4 stars). 2 submissions from 2 submitters: Uncertain significance (2). Last evaluated 2025-05-11.

Conditions:
Hereditary cancer-predisposing syndrome. Also called: Hereditary Cancer Syndrome; Hereditary neoplastic syndrome; Tumor predisposition; Neoplastic Syndromes, Hereditary. Identifiers: Orphanet 140162, MedGen C0027672, MeSH D009386, MONDO:0015356.

Allele frequency attached by ClinVar (database versions not stated): gnomAD exomes below 0.00001.
gnomAD v4.1: 2 of 1,613,506 alleles (0.00012%); highest among the groups gnomAD compares: South Asian, 0.0022%; no homozygotes.

Submissions (2):

Ambry Genetics
Classification: Uncertain significance for Hereditary cancer-predisposing syndrome. Last evaluated: 2025-05-11. Review status: criteria provided, single submitter. Criteria: Ambry Variant Classification Scheme 2023. Collection method: clinical testing. Allele origin: germline.
Comment: The p.E651Q variant (also known as c.1951G>C), located in coding exon 14 of the MSH3 gene, results from a G to C substitution at nucleotide position 1951. The glutamic acid at codon 651 is replaced by glutamine, an amino acid with highly similar properties. This amino acid position is conserved. In addition, the in silico prediction for this alteration is inconclusive. Based on the available evidence, the clinical significance of this variant remains unclear.

Labcorp Genetics (formerly Invitae), Labcorp
Classification: Uncertain significance. Last evaluated: 2023-03-02. Review status: criteria provided, single submitter. Criteria: Invitae Variant Classification Sherloc (09022015). Collection method: clinical testing. Allele origin: germline.
Comment: In summary, the available evidence is currently insufficient to determine the role of this variant in disease. Therefore, it has been classified as a Variant of Uncertain Significance. An algorithm developed to predict the effect of missense changes on protein structure and function (PolyPhen-2) suggests that this variant is likely to be tolerated. This variant has not been reported in the literature in individuals affected with MSH3-related conditions. This sequence change replaces glutamic acid, which is acidic and polar, with glutamine, which is neutral and polar, at codon 651 of the MSH3 protein (p.Glu651Gln). This variant is not present in population databases (gnomAD no frequency).

NM_002439.5(MSH3):c.1951G>C (p.Glu651Gln)

Gene: MSH3 (mutS homolog 3; plus strand). Cytogenetic location: 5q14.1.
Variant type: single nucleotide variant.
Coding change: c.1951G>C on transcript NM_002439.5 (MANE Select); coding-DNA position 1951, G replaced by C.
Protein change: p.Glu651Gln; replaces glutamic acid 651 with glutamine.
Molecular consequence: missense variant.
Genome position (GRCh38, 1-based): chr5:80,767,987, G>C. VCF-style: chr5-80767987-G-C. GRCh37 (hg19) VCF-style: chr5-80063806-G-C.
Other names: c.1951G>C (NM_002439.3); short protein forms E651Q.
Identifiers: ClinVar variation 2881621 (VCV002881621.4), dbSNP rs1744150996, ClinGen allele CA360277548.